The following is an entry in ClinVar:

ClinVar aggregate classification (germline): Conflicting classifications of pathogenicity. Review status: criteria provided, conflicting classifications (1 of 4 stars). 2 submissions from 2 submitters: Likely pathogenic (1); Uncertain significance (1). Last evaluated 2024-10-18.

Conditions:
Dilated cardiomyopathy 1G (CMD1G). Identifiers: Orphanet 154, MedGen C1858763, MONDO:0011400, OMIM 604145.
Autosomal recessive limb-girdle muscular dystrophy type 2J (LGMDR10). Also called: Limb-girdle muscular dystrophy, type 2J; MUSCULAR DYSTROPHY, LIMB-GIRDLE, AUTOSOMAL RECESSIVE 10. Identifiers: Orphanet 140922, MedGen C1837342, MONDO:0012127, OMIM 608807.

Submissions (2):

Labcorp Genetics (formerly Invitae), Labcorp
Classification: Likely pathogenic for Dilated cardiomyopathy 1G; Autosomal recessive limb-girdle muscular dystrophy type 2J. Last evaluated: 2024-10-18. Review status: criteria provided, single submitter. Criteria: Invitae Variant Classification Sherloc (09022015). Collection method: clinical testing. Allele origin: germline.
Comment: This sequence change affects a donor splice site in intron 80 of the TTN gene. It is expected to disrupt RNA splicing and likely results in a truncated or disrupted TTN protein. This variant is not present in population databases (gnomAD no frequency). This variant has not been reported in the literature in individuals affected with TTN-related conditions. ClinVar contains an entry for this variant (Variation ID: 1359790). Algorithms developed to predict the effect of sequence changes on RNA splicing suggest that this variant may disrupt the consensus splice site. This variant is located in the I band of TTN (PMID: 25589632). Truncating variants in this region have been reported in individuals affected with autosomal recessive centronuclear myopathy (PMID: 23975875, internal data). Truncating variants in this region have also been identified in individuals affected with autosomal dominant dilated cardiomyopathy and/or cardio-related conditions (PMID: 27869827, 32964742, internal data). In summary, the currently available evidence indicates that the variant is pathogenic, but additional data are needed to prove that conclusively. Therefore, this variant has been classified as Likely Pathogenic.

Athena Diagnostics
Classification: Uncertain significance. Last evaluated: 2023-03-15. Review status: criteria provided, single submitter. Criteria: Athena Diagnostics Criteria. Collection method: clinical testing. Allele origin: unknown.
Comment: Available data are insufficient to determine the clinical significance of the variant at this time. This variant has not been reported in large, multi-ethnic general populations. This variant is expected to maintain the transcript reading frame in each of three main isoforms (major cardiac long isoform: NM_001256850.1, major skeletal muscle long isoform: NM_133378.4, and the inferred complete isoform: NM_001267550.1). In addition, it affects a region of the TTN protein that has not been tightly associated with disease (I-band).

Literature cited by the submitters: PubMed 25589632 (cited by Labcorp Genetics (formerly Invitae), Labcorp); PubMed 23975875 (cited by Labcorp Genetics (formerly Invitae), Labcorp); PubMed 27869827 (cited by Labcorp Genetics (formerly Invitae), Labcorp); PubMed 32964742 (cited by Labcorp Genetics (formerly Invitae), Labcorp).

NM_001267550.2(TTN):c.23377+2T>C

Gene: TTN (titin; minus strand). Cytogenetic location: 2q31.2.
Variant type: single nucleotide variant.
Coding change: c.23377+2T>C on transcript NM_001267550.2 (MANE Select); the canonical splice donor site of the intron after coding-DNA position 23377, T replaced by C.
Molecular consequence: splice donor variant. On other transcripts: intron variant (3).
Genome position (GRCh38, 1-based): chr2:178,720,383, A>G on the plus strand (T>C on the coding strand, the complement: TTN is on the minus strand). VCF-style: chr2-178720383-A-G. GRCh37 (hg19) VCF-style: chr2-179585110-A-G.
Other names: c.13282+17699T>C (NM_003319.4); c.13858+17699T>C (NM_133437.4); c.13657+17699T>C (NM_133432.3); c.19645+2T>C (NM_133378.4); c.22426+2T>C (NM_001256850.1); c.23377+2T>C (NM_001267550.1).
Identifiers: ClinVar variation 1359790 (VCV001359790.9), dbSNP rs2154300619, ClinGen allele CA349513380.